The following is an entry in ClinVar:

NM_144666.3(DNHD1):c.3523del (p.His1175fs)

Gene: DNHD1 (dynein heavy chain domain 1; plus strand). Cytogenetic location: 11p15.4.
Variant type: Deletion.
Coding change: c.3523del on transcript NM_144666.3 (MANE Select); coding-DNA position 3523, one base deleted (C; older notation c.3523delC).
Protein change: p.His1175fs; shifts the reading frame from histidine 1175.
Molecular consequence: frameshift variant.
Genome position (GRCh38, 1-based): chr11:6,539,978, C deleted. VCF-style (leftmost placement, unchanged base first): chr11-6539977-GC-G. GRCh37 (hg19) VCF-style: chr11-6561207-GC-G.
Other names: short protein forms H1175fs.
Identifiers: ClinVar variation 2076742 (VCV002076742.1), dbSNP rs1419526899, ClinGen allele CA472747827.

ClinVar aggregate classification (germline): Pathogenic (1 of 4 stars; one submission).

Allele frequency attached by ClinVar (database versions not stated): gnomAD exomes 0.00002; gnomAD 0.00003; TOPMed 0.00003.

Submission:

Labcorp Genetics (formerly Invitae), Labcorp
Classification: Pathogenic. Last evaluated: 2022-06-28. Review status: criteria provided, single submitter. Criteria: Invitae Variant Classification Sherloc (09022015). Collection method: clinical testing. Allele origin: germline.
Comment: This sequence change creates a premature translational stop signal (p.His1175Metfs*24) in the DNHD1 gene. It is expected to result in an absent or disrupted protein product. Loss-of-function variants in DNHD1 are known to be pathogenic (PMID: 34932939). This variant is present in population databases (no rsID available, gnomAD 0.004%). This variant has not been reported in the literature in individuals affected with DNHD1-related conditions. For these reasons, this variant has been classified as Pathogenic.

Literature cited by the submitters: PubMed 34932939.